The following is an entry in ClinVar:

ClinVar aggregate classification (germline): Uncertain significance. Review status: criteria provided, multiple submitters, no conflicts (2 of 4 stars). 3 submissions from 3 submitters: Uncertain significance (3). Last evaluated 2026-06-17.

Conditions:
Cardiovascular phenotype. Identifiers: MedGen CN230736.
Arrhythmogenic right ventricular dysplasia 12. Also called: ARRHYTHMOGENIC RIGHT VENTRICULAR DYSPLASIA, FAMILIAL, 12. Identifiers: MedGen C1969081, MONDO:0012684, OMIM 611528.
Naxos disease (NXD). Also called: KERATOSIS PALMOPLANTARIS WITH ARRHYTHMOGENIC CARDIOMYOPATHY; MAL DE NAXOS; PALMOPLANTAR KERATODERMA WITH ARRHYTHMOGENIC RIGHT VENTRICULAR CARDIOMYOPATHY AND WOOLLY HAIR; WOOLLY HAIR, PALMOPLANTAR KERATODERMA, AND CARDIAC ABNORMALITIES; CARDIOMYOPATHY, ARRHYTHMOGENIC RIGHT VENTRICULAR, WITH SKIN, HAIR, AND NAIL ABNORMALITIES. Identifiers: Orphanet 34217, MedGen C1832600, MONDO:0011017, OMIM 601214.

Submissions (3):

Ambry Genetics
Classification: Uncertain significance for Cardiovascular phenotype. Last evaluated: 2026-06-17. Review status: criteria provided, single submitter. Criteria: Ambry Variant Classification Scheme 2023. Collection method: clinical testing. Allele origin: germline.
Comment: The c.2157_2162dupCATGGA variant (also known as p.M720_D721dup), located in coding exon 13 of the JUP gene, results from an in-frame duplication of CATGGA at nucleotide positions 2157 to 2162. This results in the duplication of 2 extra residues (MD) between codons 720 and 721. This amino acid positions are well conserved in available vertebrate species. In addition, this variant is predicted to be neutral by in silico analysis (Choi Y et al. PLoS ONE. 2012; 7(10):e46688). Based on the available evidence, the clinical significance of this variant remains unclear.

Labcorp Genetics (formerly Invitae), Labcorp
Classification: Uncertain significance for Arrhythmogenic right ventricular dysplasia 12; Naxos disease. Last evaluated: 2025-04-08. Review status: criteria provided, single submitter. Criteria: Invitae Variant Classification Sherloc (09022015). Collection method: clinical testing. Allele origin: germline.
Comment: This variant, c.2157_2162dup, results in the insertion of 2 amino acid(s) of the JUP protein (p.Met720_Asp721dup), but otherwise preserves the integrity of the reading frame. The frequency data for this variant in the population databases is considered unreliable, as metrics indicate poor data quality at this position in the gnomAD database. This variant has not been reported in the literature in individuals affected with JUP-related conditions. Experimental studies and prediction algorithms are not available or were not evaluated, and the functional significance of this variant is currently unknown. In summary, the available evidence is currently insufficient to determine the role of this variant in disease. Therefore, it has been classified as a Variant of Uncertain Significance.

Blueprint Genetics
Classification: Uncertain significance. Last evaluated: 2022-06-20. Review status: criteria provided, single submitter. Criteria: ACMG Guidelines, 2015. Collection method: clinical testing. Allele origin: germline.

NM_002230.4(JUP):c.2151CATGGA[3] (p.Asp721_Gly722insMetAsp)

Gene: JUP (junction plakoglobin; minus strand). Cytogenetic location: 17q21.2.
Variant type: Microsatellite.
Coding change: c.2151CATGGA[3] on transcript NM_002230.4 (MANE Select); three copies in a row of the 6-base unit CATGGA starting at c.2151; the reference has two copies in a row; one copy, 6 bases duplicated.
Protein change: p.Asp721_Gly722insMetAsp.
Molecular consequence: inframe indel (on NM_002230.2).
Genome position (GRCh38, 1-based): chr17:41,755,820-41,755,825, TCCATG duplicated on the plus strand (CATGGA on the coding strand, the reverse complement: JUP is on the minus strand); duplicating any 6 consecutive bases within chr17:41,755,820-41,755,832 gives the same sequence; the position shown is the placement nearest the transcript's 3' end. VCF-style (leftmost placement, unchanged base first): chr17-41755819-A-ATCCATG. GRCh37 (hg19) VCF-style: chr17-39912071-A-ATCCATG.
Other names: c.2151CATGGA[3], p.Asp721_Gly722insMetAsp (NM_001352773.2, NM_001352774.2, NM_001352775.2 and 3 more transcripts); c.2150_2155ACATGG[3], p.Asp721_Gly722insMetAsp (NM_002230.2); c.2157_2162dupCATGGA (NM_002230.2).
Identifiers: ClinVar variation 4788865 (VCV004788865.3).